The following is an entry in ClinVar:

NM_002693.3(POLG):c.3406G>A (p.Glu1136Lys)

Gene: POLG (DNA polymerase gamma, catalytic subunit; minus strand). Cytogenetic location: 15q26.1.
Variant type: single nucleotide variant.
Coding change: c.3406G>A on transcript NM_002693.3 (MANE Select); coding-DNA position 3406, G replaced by A.
Protein change: p.Glu1136Lys; replaces glutamic acid 1136 with lysine.
Molecular consequence: missense variant.
Genome position (GRCh38, 1-based): chr15:89,318,617, C>T on the plus strand (G>A on the coding strand, the complement: POLG is on the minus strand). VCF-style: chr15-89318617-C-T. GRCh37 (hg19) VCF-style: chr15-89861848-C-T.
Other names: p.E1136K:GAG>AAG; c.3406G>A, p.Glu1136Lys (NM_001126131.2); short protein forms E1136K.
Identifiers: ClinVar variation 206558 (VCV000206558.11), dbSNP rs56047213, ClinGen allele CA316760.

ClinVar aggregate classification (germline): Pathogenic/Likely pathogenic. Review status: criteria provided, multiple submitters, no conflicts (2 of 4 stars). 4 submissions from 4 submitters: Pathogenic (1); Likely pathogenic (3). Last evaluated 2026-02-13.

Conditions:
Mitochondrial DNA maintenance disorder.
Progressive sclerosing poliodystrophy (MTDPS4A). Also called: ALPERS DIFFUSE DEGENERATION OF CEREBRAL GRAY MATTER WITH HEPATIC CIRRHOSIS; Alpers-Huttenlocher Syndrome; ALPERS PROGRESSIVE INFANTILE POLIODYSTROPHY; NEURONAL DEGENERATION OF CHILDHOOD WITH LIVER DISEASE, PROGRESSIVE; Mitochondrial DNA Depletion Syndrome 4A; Alpers-Huttenlocher Syndrome (AHS). Identifiers: Orphanet 726, MedGen C0205710, MONDO:0008758, OMIM 203700.

Allele frequency attached by ClinVar (database versions not stated): gnomAD exomes below 0.00001; TOPMed below 0.00001; gnomAD 0.00001.
gnomAD v4.1: 5 of 1,614,070 alleles (0.00031%); highest among the groups gnomAD compares: Admixed American, 0.0017%; no homozygotes.

Submissions (4):

Genetics Laboratory, Great Ormond Street Hospital NHS Foundation Trust, North Thames Genomic Laboratory Hub
Classification: Likely pathogenic for Mitochondrial DNA maintenance disorder. Last evaluated: 2026-02-13. Review status: criteria provided, single submitter. Criteria: ACGS Best Practice Guidelines for Variant Classification in Rare Disease 2024 v1.2. Collection method: clinical testing. Allele origin: germline. Affected: yes.
Comment: PM2_moderate, PP3_supporting, PM1_supporting, PM3_strong

Labcorp Genetics (formerly Invitae), Labcorp
Classification: Pathogenic for Progressive sclerosing poliodystrophy. Last evaluated: 2025-12-13. Review status: criteria provided, single submitter. Criteria: Invitae Variant Classification Sherloc (09022015). Collection method: clinical testing. Allele origin: germline.
Comment: This sequence change replaces glutamic acid, which is acidic and polar, with lysine, which is basic and polar, at codon 1136 of the POLG protein (p.Glu1136Lys). This variant is not present in population databases (gnomAD no frequency). This missense change has been observed in individual(s) with autosomal recessive POLG-related conditions (PMID: 18828154, 24194468, 34194468). In at least one individual the data is consistent with being in trans (on the opposite chromosome) from a pathogenic variant. This variant has been reported in individual(s) with autosomal dominant POLG-related conditions (PMID: 25585994, 30423451); however, the role of the variant in this condition is currently unclear. ClinVar contains an entry for this variant (Variation ID: 206558). Invitae Evidence Modeling of protein sequence and biophysical properties (such as structural, functional, and spatial information, amino acid conservation, physicochemical variation, residue mobility, and thermodynamic stability) indicates that this missense variant is expected to disrupt POLG protein function with a positive predictive value of 95%. For these reasons, this variant has been classified as Pathogenic.

Baylor Genetics
Classification: Likely pathogenic for Progressive sclerosing poliodystrophy. Last evaluated: 2023-06-09. Review status: criteria provided, single submitter. Criteria: ACMG Guidelines, 2015. Collection method: clinical testing. Allele origin: unknown.

GeneDx
Classification: Likely pathogenic. Last evaluated: 2021-07-08. Review status: criteria provided, single submitter. Criteria: GeneDx Variant Classification Process June 2021. Collection method: clinical testing. Allele origin: germline. Affected: yes.
Comment: Not observed in large population cohorts (Lek et al., 2016); In silico analysis supports that this missense variant has a deleterious effect on protein structure/function; This variant is associated with the following publications: (PMID: 27535533, 34194468, 28471437, 32391929, 30423451, 18828154, 25660390, 25585994)

Literature cited by the submitters: PubMed 18828154 (cited by Labcorp Genetics (formerly Invitae), Labcorp); PubMed 24194468 (cited by Labcorp Genetics (formerly Invitae), Labcorp); PubMed 34194468 (cited by Labcorp Genetics (formerly Invitae), Labcorp); PubMed 25585994 (cited by Labcorp Genetics (formerly Invitae), Labcorp); PubMed 30423451 (cited by Labcorp Genetics (formerly Invitae), Labcorp).